The following is an entry in ClinVar:

NM_152564.5(VPS13B):c.2075G>A (p.Arg692Gln)

Gene: VPS13B (vacuolar protein sorting 13 homolog B; plus strand). Cytogenetic location: 8q22.2.
Variant type: single nucleotide variant.
Coding change: c.2075G>A on transcript NM_152564.5 (MANE Select); coding-DNA position 2075, G replaced by A.
Protein change: p.Arg692Gln; replaces arginine 692 with glutamine.
Molecular consequence: missense variant.
Genome position (GRCh38, 1-based): chr8:99,156,610, G>A. VCF-style: chr8-99156610-G-A. GRCh37 (hg19) VCF-style: chr8-100168838-G-A.
Other names: c.2075G>A (NM_152564.4); c.2075G>A, p.Arg692Gln (NM_015243.3, NM_017890.5); short protein forms R692Q.
Identifiers: ClinVar variation 194549 (VCV000194549.25), dbSNP rs371500701, ClinGen allele CA207026.

ClinVar aggregate classification (germline): Conflicting classifications of pathogenicity. Review status: criteria provided, conflicting classifications (1 of 4 stars). 9 submissions from 9 submitters: Uncertain significance (7); Likely benign (1). 1 of the submissions does not count toward it. Last evaluated 2025-12-30.

Conditions:
VPS13B-related disorder. Also called: VPS13B-related condition.
Inborn genetic diseases. Identifiers: MedGen C0950123, MeSH D030342.
Cohen syndrome (COH1). Also called: PEPPER SYNDROME; Cutis verticis gyrata, retinitis pigmentosa, and sensorineural deafness. Identifiers: Orphanet 193, MedGen C0265223, MONDO:0008999, OMIM 216550.

Allele frequency attached by ClinVar (database versions not stated): gnomAD 0.00006; gnomAD exomes 0.00006 and 0.00011; ExAC 0.00007; TOPMed 0.00007; ESP Exome Variant Server 0.00008.
gnomAD v4.1: 168 of 1,613,940 alleles (0.01%); highest among the groups gnomAD compares: Non-Finnish European, 0.014%; no homozygotes.

Submissions (9):

Labcorp Genetics (formerly Invitae), Labcorp
Classification: Uncertain significance for Cohen syndrome. Last evaluated: 2025-12-30. Review status: criteria provided, single submitter. Criteria: Invitae Variant Classification Sherloc (09022015). Collection method: clinical testing. Allele origin: germline.
Comment: This sequence change replaces arginine, which is basic and polar, with glutamine, which is neutral and polar, at codon 692 of the VPS13B protein (p.Arg692Gln). This variant is present in population databases (rs371500701, gnomAD 0.01%). This variant has not been reported in the literature in individuals affected with VPS13B-related conditions. ClinVar contains an entry for this variant (Variation ID: 194549). Invitae Evidence Modeling of protein sequence and biophysical properties (such as structural, functional, and spatial information, amino acid conservation, physicochemical variation, residue mobility, and thermodynamic stability) indicates that this missense variant is not expected to disrupt VPS13B protein function with a negative predictive value of 80%. In summary, the available evidence is currently insufficient to determine the role of this variant in disease. Therefore, it has been classified as a Variant of Uncertain Significance.

PreventionGenetics, part of Exact Sciences
Classification: Uncertain significance for VPS13B-related condition. Last evaluated: 2025-09-30. Review status: criteria provided, single submitter. Criteria: ACMG Guidelines, 2015. Collection method: clinical testing. Allele origin: germline.
Comment: The VPS13B c.2075G>A variant is predicted to result in the amino acid substitution p.Arg692Gln. To our knowledge, this variant has not been reported in the literature in association with disease. This variant has been reported at a frequency of ~0.01% in individuals of European origin in a large population database (gnomAD). Based on these observations, the c.2075G>A variant is classified as uncertain.

Blueprint Genetics
Classification: Likely benign. Last evaluated: 2023-08-01. Review status: criteria provided, single submitter. Criteria: ACMG Guidelines, 2015. Collection method: clinical testing. Allele origin: germline.

GeneDx
Classification: Uncertain significance. Last evaluated: 2022-07-14. Review status: criteria provided, single submitter. Criteria: GeneDx Variant Classification Process June 2021. Collection method: clinical testing. Allele origin: germline. Affected: yes.
Comment: Not observed at significant frequency in large population cohorts (gnomAD); In silico analysis supports that this missense variant does not alter protein structure/function; Has not been previously published as pathogenic or benign to our knowledge

Ambry Genetics
Classification: Uncertain significance for Inborn genetic diseases. Last evaluated: 2018-08-04. Review status: criteria provided, single submitter. Criteria: Ambry Variant Classification Scheme 2023. Collection method: clinical testing. Allele origin: germline.
Comment: The p.R692Q variant (also known as c.2075G>A), located in coding exon 14 of the VPS13B gene, results from a G to A substitution at nucleotide position 2075. The arginine at codon 692 is replaced by glutamine, an amino acid with highly similar properties. This amino acid position is not well conserved in available vertebrate species. In addition, this alteration is predicted to be tolerated by in silico analysis. Since supporting evidence is limited at this time, the clinical significance of this alteration remains unclear.

CeGaT Center for Human Genetics Tuebingen
Classification: Uncertain significance. Last evaluated: 2017-05-31. Review status: criteria provided, single submitter. Criteria: Praxis fuer Humangenetik Tuebingen - Variant Classification Criteria. Collection method: clinical testing. Allele origin: germline. Affected: yes. Observed: 1 variant allele.

Eurofins Ntd Llc (ga)
Classification: Uncertain significance. Last evaluated: 2017-01-10. Review status: criteria provided, single submitter. Criteria: EGL Classification Definitions 2015. Collection method: clinical testing. Allele origin: germline. Observed: 2 variant alleles, 2 heterozygotes.

Genetic Services Laboratory, University of Chicago
Classification: Uncertain significance. Last evaluated: 2015-05-15. Review status: criteria provided, single submitter. Criteria: ACMG Guidelines, 2015. Collection method: clinical testing. Allele origin: germline.

Natera, Inc.
Classification: Uncertain significance for Cohen syndrome. Last evaluated: 2020-04-15. Review status: no assertion criteria provided. Collection method: clinical testing. Allele origin: germline. Not counted in ClinVar's aggregate classification.